The following is an entry in ClinVar:

NM_002528.7(NTHL1):c.696G>A (p.Thr232=)

Gene: NTHL1 (nth like DNA glycosylase 1; minus strand). Cytogenetic location: 16p13.3.
Variant type: single nucleotide variant.
Coding change: c.696G>A on transcript NM_002528.7 (MANE Select); coding-DNA position 696, G replaced by A.
Protein change: p.Thr232=; no amino-acid change (threonine 232 retained).
Molecular consequence: synonymous variant.
Genome position (GRCh38, 1-based): chr16:2,040,228, C>T on the plus strand (G>A on the coding strand, the complement: NTHL1 is on the minus strand). VCF-style: chr16-2040228-C-T. GRCh37 (hg19) VCF-style: chr16-2090229-C-T.
Other names: c.525G>A, p.Thr175= (NM_001318193.2); c.366G>A, p.Thr122= (NM_001318194.2).
Identifiers: ClinVar variation 761678 (VCV000761678.15), dbSNP rs560239348, ClinGen allele CA7828139.
Genomic context (GRCh38, chr16:2,040,228, plus strand): 5'-CTCTGGGGACTTGGTTGCCTTCTTGGTCCACCTCAGCCTGTTGGCGATTCTGTGCACATG[C>T]GTGTCCACTGCTGCTGGGAGGCCAAGCGGGGTGAACAGGGGCACACTCCACCAGCCTAGC-3'
Protein context (NP_002519.2, residues 222-242): WGTVSGIAVD[Thr232=]HVHRIANRLR

ClinVar aggregate classification (germline): Likely benign. Review status: criteria provided, multiple submitters, no conflicts (2 of 4 stars). 4 submissions from 4 submitters: Likely benign (4). Last evaluated 2026-02-01.

Conditions:
Hereditary cancer-predisposing syndrome. Also called: Tumor predisposition; Neoplastic Syndromes, Hereditary; Hereditary Cancer Syndrome; Hereditary neoplastic syndrome. Identifiers: Orphanet 140162, MedGen C0027672, MeSH D009386, MONDO:0015356.

Allele frequency attached by ClinVar (database versions not stated): gnomAD 0.00001; ExAC 0.00002; gnomAD exomes 0.00002; 1000 Genomes Project 30x 0.00016; 1000 Genomes Project 0.00020.
gnomAD v4.1: 18 of 1,613,608 alleles (0.0011%); highest among the groups gnomAD compares: Middle Eastern, 0.016%; no homozygotes.

Submissions (4):

Labcorp Genetics (formerly Invitae), Labcorp
Classification: Likely benign. Last evaluated: 2026-02-01. Review status: criteria provided, single submitter. Criteria: Invitae Variant Classification Sherloc (09022015). Collection method: clinical testing. Allele origin: germline.

Quest Diagnostics Nichols Institute San Juan Capistrano
Classification: Likely benign. Last evaluated: 2025-08-22. Review status: criteria provided, single submitter. Criteria: Quest Diagnostics criteria. Collection method: clinical testing. Allele origin: unknown.

Molecular Diagnostics Laboratory, Catalan Institute of Oncology
Classification: Likely benign for Hereditary cancer-predisposing syndrome. Last evaluated: 2025-04-14. Review status: criteria provided, single submitter. Criteria: ACMG Guidelines, 2015. Collection method: clinical testing. Allele origin: germline.
Comment: BP4, BP7 c.720G>A, located in exon 5 of the NTHL1 gene, is predicted to result in no splicing alteration (according to SpliceAI) and no amino acid change, p.(Thr240=) (BP4, BP7). This variant is found in 5/268052 alleles at a frequency of 0.0018% in the gnomAD v2.1.1 database, non-cancer dataset. To our knowledge, neither relevant clinical data nor well-stablished functional studies have been reported for this variant. It has been reported twice in ClinVar, as a likely benign. Based on the currently available information, c.720G>A is classified as a likely benign variant according to ACMG guidelines.

Ambry Genetics
Classification: Likely benign for Hereditary cancer-predisposing syndrome. Last evaluated: 2020-09-24. Review status: criteria provided, single submitter. Criteria: Ambry Variant Classification Scheme 2023. Collection method: clinical testing. Allele origin: germline.